The following is an entry in ClinVar:

NM_000891.3(KCNJ2):c.715G>T (p.Glu239Ter)

Gene: KCNJ2 (potassium inwardly rectifying channel subfamily J member 2; plus strand). Cytogenetic location: 17q24.3.
Variant type: single nucleotide variant.
Coding change: c.715G>T on transcript NM_000891.3 (MANE Select); coding-DNA position 715, G replaced by T.
Protein change: p.Glu239Ter; replaces glutamic acid 239 with a stop codon.
Molecular consequence: nonsense.
Genome position (GRCh38, 1-based): chr17:70,175,754, G>T. VCF-style: chr17-70175754-G-T. GRCh37 (hg19) VCF-style: chr17-68171895-G-T.
Other names: short protein forms E239*.
Identifiers: ClinVar variation 463523 (VCV000463523.9), dbSNP rs1555603974, ClinGen allele CA400861763.

ClinVar aggregate classification (germline): Pathogenic (1 of 4 stars; one submission).

Conditions:
Andersen Tawil syndrome (LQT7). Also called: LONG QT SYNDROME 7; PERIODIC PARALYSIS, POTASSIUM-SENSITIVE CARDIODYSRHYTHMIC TYPE; ANDERSEN CARDIODYSRHYTHMIC PERIODIC PARALYSIS; Andersen Syndrome; Potassium-sensitive periodic paralysis, ventricular ectopy, and dysmorphic features. Identifiers: Orphanet 37553, MedGen C1563715, MONDO:0008222, OMIM 170390.
Short QT syndrome type 3. Identifiers: Orphanet 51083, MedGen C1865018, MONDO:0012314, OMIM 609622.

Allele frequency attached by ClinVar (database versions not stated): gnomAD exomes below 0.00001.

Submission:

Labcorp Genetics (formerly Invitae), Labcorp
Classification: Pathogenic for Short QT syndrome type 3; Andersen Tawil syndrome. Last evaluated: 2017-05-07. Review status: criteria provided, single submitter. Criteria: Invitae Variant Classification Sherloc (09022015). Collection method: clinical testing. Allele origin: germline.
Comment: For these reasons, this variant has been classified as Pathogenic. A different truncation downstream of this variant (p.Ser369*) has been determined to be pathogenic (PMID: 21493816). This suggests that deletion of this region of the KCNJ2 protein is causative of disease. This variant is not present in population databases (ExAC no frequency) and has not been reported in the literature in individuals with a KCNJ2-related disease. This sequence change results in a premature translational stop signal in the last exon of the KCNJ2 mRNA at codon 239 (p.Glu239*). While this is not anticipated to result in nonsense mediated decay, it is expected to delete the last 189 amino acids of the KCNJ2 protein.

Literature cited by the submitters: PubMed 21493816.